The following is an entry in ClinVar:

ClinVar aggregate classification (germline): Uncertain significance (1 of 4 stars; one submission).

Conditions:
Duchenne muscular dystrophy (DMD). Also called: MUSCULAR DYSTROPHY, PSEUDOHYPERTROPHIC PROGRESSIVE, DUCHENNE TYPE; Duchenne Muscular Dystrophy (DMD). Identifiers: Orphanet 98896, MedGen C0013264, MONDO:0010679, OMIM 310200.

Submission:

Labcorp Genetics (formerly Invitae), Labcorp
Classification: Uncertain significance for Duchenne muscular dystrophy. Last evaluated: 2026-01-02. Review status: criteria provided, single submitter. Criteria: Invitae Variant Classification Sherloc (09022015). Collection method: clinical testing. Allele origin: germline.
Comment: This sequence change replaces leucine, which is neutral and non-polar, with phenylalanine, which is neutral and non-polar, at codon 1275 of the DMD protein (p.Leu1275Phe). This variant is not present in population databases (gnomAD no frequency). This variant has not been reported in the literature in individuals affected with DMD-related conditions. ClinVar contains an entry for this variant (Variation ID: 3004152). Invitae Evidence Modeling of protein sequence and biophysical properties (such as structural, functional, and spatial information, amino acid conservation, physicochemical variation, residue mobility, and thermodynamic stability) indicates that this missense variant is not expected to disrupt DMD protein function with a negative predictive value of 95%. In summary, the available evidence is currently insufficient to determine the role of this variant in disease. Therefore, it has been classified as a Variant of Uncertain Significance.

NM_004006.3(DMD):c.3825G>T (p.Leu1275Phe)

Gene: DMD (dystrophin; minus strand). Cytogenetic location: Xp21.1.
Variant type: single nucleotide variant.
Coding change: c.3825G>T on transcript NM_004006.3 (MANE Select); coding-DNA position 3825, G replaced by T.
Protein change: p.Leu1275Phe; replaces leucine 1275 with phenylalanine.
Molecular consequence: missense variant.
Genome position (GRCh38, 1-based): chrX:32,441,276, C>A on the plus strand (G>T on the coding strand, the complement: DMD is on the minus strand). VCF-style: chrX-32441276-C-A. GRCh37 (hg19) VCF-style: chrX-32459393-C-A.
Other names: c.3801G>T, p.Leu1267Phe (NM_000109.4); c.3813G>T, p.Leu1271Phe (NM_004009.3); c.3456G>T, p.Leu1152Phe (NM_004010.3); short protein forms L1267F, L1275F, L1271F, L1152F.
Identifiers: ClinVar variation 3004152 (VCV003004152.3), dbSNP rs1379237787, ClinGen allele CA412670509.